The following is an entry in ClinVar:

NM_020184.4(CNNM4):c.340del (p.Asp114fs)

Gene: CNNM4 (cyclin and CBS domain divalent metal cation transport mediator 4; plus strand). Cytogenetic location: 2q11.2.
Variant type: Deletion.
Coding change: c.340del on transcript NM_020184.4 (MANE Select); coding-DNA position 340, one base deleted (G; older notation c.340delG).
Protein change: p.Asp114fs; shifts the reading frame from aspartic acid 114.
Molecular consequence: frameshift variant.
Genome position (GRCh38, 1-based): chr2:96,761,339, G deleted; the last of 2 consecutive G bases (chr2:96,761,338-96,761,339); deleting either gives the same sequence. VCF-style (leftmost placement, unchanged base first): chr2-96761337-AG-A. GRCh37 (hg19) VCF-style: chr2-97427074-AG-A.
Other names: short protein forms D114fs.
Identifiers: ClinVar variation 2036150 (VCV002036150.4), dbSNP rs1184213733, ClinGen allele CA534636404.
Genomic context (GRCh38, chr2:96,761,337, plus strand): 5'-TCACCGAGGTGGACGATGCCGAGACCCTCCACAAGTCCACCAGCTGCCTCGAGCTCACCA[AG>A]GACCTGGTCGTCCAGCAGCTGGTCAACGTGAGCCGCGGGAACACGTCCGGCGTGCTGGTG-3'

ClinVar aggregate classification (germline): Pathogenic (1 of 4 stars; one submission).

Submission:

Labcorp Genetics (formerly Invitae), Labcorp
Classification: Pathogenic. Last evaluated: 2022-10-19. Review status: criteria provided, single submitter. Criteria: Invitae Variant Classification Sherloc (09022015). Collection method: clinical testing. Allele origin: germline.
Comment: For these reasons, this variant has been classified as Pathogenic. This variant has not been reported in the literature in individuals affected with CNNM4-related conditions. This sequence change creates a premature translational stop signal (p.Asp114Thrfs*10) in the CNNM4 gene. It is expected to result in an absent or disrupted protein product. Loss-of-function variants in CNNM4 are known to be pathogenic (PMID: 19200525). This variant is present in population databases (no rsID available, gnomAD 0.0009%).

Literature cited by the submitters: PubMed 19200525.